The following is an entry in ClinVar:

NM_005431.2(XRCC2):c.196A>G (p.Ile66Val)

Gene: XRCC2 (X-ray repair cross complementing 2; minus strand). Cytogenetic location: 7q36.1.
Variant type: single nucleotide variant.
Coding change: c.196A>G on transcript NM_005431.2 (MANE Select); coding-DNA position 196, A replaced by G.
Protein change: p.Ile66Val; replaces isoleucine 66 with valine.
Molecular consequence: missense variant.
Genome position (GRCh38, 1-based): chr7:152,649,289, T>C on the plus strand (A>G on the coding strand, the complement: XRCC2 is on the minus strand). VCF-style: chr7-152649289-T-C. GRCh37 (hg19) VCF-style: chr7-152346374-T-C.
Other names: short protein forms I66V.
Identifiers: ClinVar variation 2078136 (VCV002078136.4), dbSNP rs2098027511, ClinGen allele CA370199222.

ClinVar aggregate classification (germline): Uncertain significance (1 of 4 stars; one submission).

Allele frequency attached by ClinVar (database versions not stated): TOPMed below 0.00001.

Submission:

Labcorp Genetics (formerly Invitae), Labcorp
Classification: Uncertain significance. Last evaluated: 2024-02-05. Review status: criteria provided, single submitter. Criteria: Invitae Variant Classification Sherloc (09022015). Collection method: clinical testing. Allele origin: germline.
Comment: This sequence change replaces isoleucine, which is neutral and non-polar, with valine, which is neutral and non-polar, at codon 66 of the XRCC2 protein (p.Ile66Val). This variant is not present in population databases (gnomAD no frequency). This variant has not been reported in the literature in individuals affected with XRCC2-related conditions. ClinVar contains an entry for this variant (Variation ID: 2078136). Advanced modeling of protein sequence and biophysical properties (such as structural, functional, and spatial information, amino acid conservation, physicochemical variation, residue mobility, and thermodynamic stability) performed at Invitae indicates that this missense variant is not expected to disrupt XRCC2 protein function with a negative predictive value of 80%. In summary, the available evidence is currently insufficient to determine the role of this variant in disease. Therefore, it has been classified as a Variant of Uncertain Significance.